The following is an entry in ClinVar:

ClinVar aggregate classification (germline): Pathogenic. Review status: reviewed by expert panel (3 of 4 stars). 3 submissions from 3 submitters: Pathogenic (1). 2 of the submissions do not count toward it. Last evaluated 2017-12-15.

Conditions:
Hereditary breast ovarian cancer syndrome. Also called: Hereditary breast and ovarian cancer syndrome (HBOC); Breast and ovarian cancer; Hereditary breast and ovarian cancer syndrome; Hereditary breast and ovarian cancer; BRCA1- and BRCA2-Associated Hereditary Breast and Ovarian Cancer; Hereditary breast and/or ovarian cancer syndrome. Identifiers: Orphanet 145, MedGen C0677776, MeSH D061325, MONDO:0003582. Disease mechanism: loss of function.
Breast-ovarian cancer, familial, susceptibility to, 1 (BROVCA1). Also called: BRCA1 Hereditary Breast and Ovarian Cancer; OVARIAN CANCER, SUSCEPTIBILITY TO. Identifiers: Orphanet 145, MedGen C2676676, MONDO:0011450, OMIM 604370. Disease mechanism: loss of function.

Submissions (3):

Evidence-based Network for the Interpretation of Germline Mutant Alleles (ENIGMA)
Classification: Pathogenic for Breast-ovarian cancer, familial, susceptibility to, 1. Last evaluated: 2017-12-15. Review status: reviewed by expert panel. Criteria: ENIGMA BRCA1/2 Classification Criteria (2017-06-29). Collection method: curation. Allele origin: germline. Study: ENIGMA.
Comment: Variant allele predicted to encode a truncated non-functional protein.

Women's Health and Genetics/Laboratory Corporation of America, LabCorp
Classification: Likely pathogenic for Hereditary breast ovarian cancer syndrome. Last evaluated: 2016-09-15. Review status: criteria provided, single submitter. Criteria: LabCorp Variant Classification Summary - May 2015. Collection method: clinical testing. Allele origin: germline. Not counted in ClinVar's aggregate classification.
Comment: Variant summary: The BRCA1 c.2693_2694dupAA (p.Val899Lysfs) variant results in a premature termination codon, predicted to cause a truncated or absent BRCA1 protein due to nonsense mediated decay, which are commonly known mechanisms for disease. Truncations downstream of this position have been classified as pathogenic by our laboratory (e.g. p.Tyr1703X, p.Val1713fs). Mutation taster predicts a damaging outcome for this variant. This variant is absent in 121354 control chromosomes. The variant of interest has not, to our knowledge, been reported in affected individuals via publications and/or reputable databases/clinical diagnostic laboratories; nor evaluated for functional impact by in vivo/vitro studies. One clinical diagnostic laboratory classified this variant as pathogenic. In summary, frameshift nature and absence in controls support pathogenicity of this variant. However, in the absence of clinical information about variant carrier patients and functional studies, the unequivocal pathogenicity of the variant cannot be established, therefore it was classified as likely pathogenic until more information becomes available.

GeneDx
Classification: Pathogenic. Last evaluated: 2015-11-05. Review status: criteria provided, single submitter. Criteria: GeneDx Variant Classification (06012015). Collection method: clinical testing. Allele origin: germline. Affected: yes. Not counted in ClinVar's aggregate classification.
Comment: This duplication of 2 nucleotides in BRCA1 is denoted c.2693_2694dupAA at the cDNA level and p.Val899LysfsX102 (V899KfsX102) at the protein level. The normal sequence, with the bases that are duplicated in braces, is CCAA[AA]GTCA. Using alternate nomenclature, this variant may be defined as BRCA1 2813insAA, 2812_2813dupAA, or 2813_2814insAA. The duplication causes a frameshift, which changes a Valine to a Lysine at codon 899, and creates a premature stop codon at position 102 of the new reading frame. Although this variant has not, to our knowledge, been reported in the literature, it is predicted to cause loss of normal protein function through either protein truncation or nonsense-mediated mRNA decay. We consider this variant to be pathogenic.

NM_007294.4(BRCA1):c.2693_2694dup (p.Val899fs)

Gene: BRCA1 (BRCA1 DNA repair associated; minus strand). Cytogenetic location: 17q21.31.
Variant type: Duplication.
Coding change: c.2693_2694dup on transcript NM_007294.4 (MANE Select); coding-DNA positions 2693 to 2694, 2 bases duplicated (AA; older notation c.2693_2694dupAA).
Protein change: p.Val899fs; shifts the reading frame from valine 899.
Molecular consequence: frameshift variant. On other transcripts: intron variant (137).
Genome position (GRCh38, 1-based): chr17:43,092,837-43,092,838, TT duplicated on the plus strand (AA on the coding strand, the reverse complement: BRCA1 is on the minus strand); duplicating any 2 consecutive bases within chr17:43,092,837-43,092,840 gives the same sequence; the c. name uses the placement nearest the transcript's 3' end. VCF-style (leftmost placement, unchanged base first): chr17-43092836-C-CTT. GRCh37 (hg19) VCF-style: chr17-41244853-C-CTT.
Other names: c.2693_2694dupAA (NM_007294.3); c.2690_2691dup, p.Val898fs (NM_001407611.1, NM_001407612.1, NM_001407613.1 and 22 more transcripts); c.2693_2694dup, p.Val899fs (NM_001407616.1, NM_001407617.1, NM_001407618.1 and 30 more transcripts); c.2684_2685dup, p.Val896fs (NM_001407646.1, NM_001407647.1); c.2570_2571dup, p.Val858fs (NM_001407648.1, NM_001407664.1, NM_001407665.1 and 19 more transcripts); c.2567_2568dup, p.Val857fs (NM_001407649.1, NM_001407670.1, NM_001407671.1 and 11 more transcripts); c.2615_2616dup, p.Val873fs (NM_001407653.1, NM_001407654.1, NM_001407655.1 and 4 more transcripts); c.2612_2613dup, p.Val872fs (NM_001407659.1, NM_001407660.1, NM_001407661.1 and 1 more transcripts); and 42 more; short protein forms V852fs, V899fs, V831fs, V832fs, V858fs, V873fs, V731fs, V788fs.
Identifiers: ClinVar variation 245696 (VCV000245696.2), dbSNP rs80357549, ClinGen allele CA10584567.
Genomic context (GRCh38, chr17:43,092,836, plus strand): 5'-GCTTGATATTAGACTCATTCTTTCCTTGATTTTCTTCCTTTTGTTCACATTCAAAAGTGA[C>CTT]TTTTGGACTTTGTTTCTTTAAGGACCCAGAGTGGGCAGAGAATGTTGCACATTCCTCTTC-3'